The following is an entry in ClinVar:

NM_000330.4(RS1):c.658G>A (p.Val220Ile)

Genes: CDKL5 (cyclin dependent kinase like 5; plus strand), RS1 (retinoschisin 1; minus strand). Cytogenetic location: Xp22.13.
Variant type: single nucleotide variant.
Coding change: c.658G>A on transcript NM_000330.4 (MANE Select); coding-DNA position 658, G replaced by A.
Protein change: p.Val220Ile; replaces valine 220 with isoleucine.
Molecular consequence: missense variant. On other transcripts: intron variant (2).
Genome position (GRCh38, 1-based): chrX:18,642,021, C>T on the plus strand (G>A on the coding strand, the complement: RS1 is on the minus strand). VCF-style: chrX-18642021-C-T. GRCh37 (hg19) VCF-style: chrX-18660141-C-T.
Other names: c.2714-3986C>T (NM_003159.3, NM_001037343.2); short protein forms V220I.
Identifiers: ClinVar variation 3697328 (VCV003697328.2).

ClinVar aggregate classification (germline): Uncertain significance (1 of 4 stars; one submission).

gnomAD v4.1: 3 of 1,211,132 alleles (0.00025%); highest among the groups gnomAD compares: Non-Finnish European, 0.00034%; no homozygotes.

Submission:

Labcorp Genetics (formerly Invitae), Labcorp
Classification: Uncertain significance. Last evaluated: 2024-06-19. Review status: criteria provided, single submitter. Criteria: Invitae Variant Classification Sherloc (09022015). Collection method: clinical testing. Allele origin: germline.
Comment: This sequence change replaces valine, which is neutral and non-polar, with isoleucine, which is neutral and non-polar, at codon 220 of the RS1 protein (p.Val220Ile). This variant is present in population databases (no rsID available, gnomAD 0.003%). This variant has not been reported in the literature in individuals affected with RS1-related conditions. Advanced modeling of protein sequence and biophysical properties (such as structural, functional, and spatial information, amino acid conservation, physicochemical variation, residue mobility, and thermodynamic stability) performed at Invitae indicates that this missense variant is not expected to disrupt RS1 protein function with a negative predictive value of 95%. In summary, the available evidence is currently insufficient to determine the role of this variant in disease. Therefore, it has been classified as a Variant of Uncertain Significance.